The following is an entry in ClinVar:

NM_000548.5(TSC2):c.5068+9G>A

Gene: TSC2 (TSC complex subunit 2; plus strand). Cytogenetic location: 16p13.3.
Variant type: single nucleotide variant.
Coding change: c.5068+9G>A on transcript NM_000548.5 (MANE Select); 9 bases into the intron after coding-DNA position 5068, G replaced by A.
Molecular consequence: intron variant.
Genome position (GRCh38, 1-based): chr16:2,087,950, G>A. VCF-style: chr16-2087950-G-A. GRCh37 (hg19) VCF-style: chr16-2137951-G-A.
Other names: c.4999+9G>A (NM_001114382.3); c.4939+9G>A (NM_021055.3, NM_001370405.1); c.4870+9G>A (NM_001363528.2); c.4936+9G>A (NM_001370404.1); c.4867+9G>A (NM_001077183.3); c.4759+9G>A (NM_001318827.2); c.4336+9G>A (NM_001318831.2); c.4723+9G>A (NM_001318829.2); and 1 more.
Identifiers: ClinVar variation 49442 (VCV000049442.24), dbSNP rs45445593, ClinGen allele CA021623.

ClinVar aggregate classification (germline): Conflicting classifications of pathogenicity. Review status: criteria provided, conflicting classifications (1 of 4 stars). 11 submissions from 11 submitters: Uncertain significance (1); Benign (3); Likely benign (4). 3 of the submissions do not count toward it. Last evaluated 2026-01-20.

Conditions:
Tuberous sclerosis syndrome (TSC). Also called: Tuberous Sclerosis Complex; Tuberous sclerosis. Identifiers: Orphanet 805, MedGen C0041341, MONDO:0001734.
Tuberous sclerosis 2 (TSC2). Identifiers: Orphanet 805, MedGen C1860707, MONDO:0013199, OMIM 613254.

Allele frequency attached by ClinVar (database versions not stated): gnomAD exomes 0.00027 and 0.00014; gnomAD 0.00029 and 0.00026; ESP Exome Variant Server 0.00031; ExAC 0.00018; TOPMed 0.00019.
gnomAD v4.1: 424 of 1,605,062 alleles (0.026%); highest among the groups gnomAD compares: African/African-American, 0.043%; 1 homozygote.

Submissions (13):

Labcorp Genetics (formerly Invitae), Labcorp
Classification: Benign for Tuberous sclerosis 2. Last evaluated: 2026-01-20. Review status: criteria provided, single submitter. Criteria: Invitae Variant Classification Sherloc (09022015). Collection method: clinical testing. Allele origin: germline.

Myriad Genetics, Inc.
Classification: Likely benign for Tuberous sclerosis 2. Last evaluated: 2025-06-05. Review status: criteria provided, single submitter. Criteria: Myriad Autosomal Dominant, Autosomal Recessive and X-Linked Classification Criteria (2023). Collection method: clinical testing. Allele origin: unknown.
Comment: This variant is considered likely benign. This variant is intronic and is not expected to impact mRNA splicing. This variant has been observed at a population frequency that is significantly greater than expected given the associated disease prevalence and penetrance.

ARUP Laboratories, Molecular Genetics and Genomics, ARUP Laboratories
Classification: Likely benign. Last evaluated: 2025-01-28. Review status: criteria provided, single submitter. Criteria: ARUP Molecular Germline Variant Investigation Process 2024. Collection method: clinical testing. Allele origin: germline.

Athena Diagnostics
Classification: Benign. Last evaluated: 2024-09-16. Review status: criteria provided, single submitter. Criteria: Athena Diagnostics Criteria. Collection method: clinical testing. Allele origin: unknown.

Blueprint Genetics
Classification: Likely benign. Last evaluated: 2024-08-06. Review status: criteria provided, single submitter. Criteria: ACMG Guidelines, 2015. Collection method: clinical testing. Allele origin: germline.

Women's Health and Genetics/Laboratory Corporation of America, LabCorp
Classification: Benign. Last evaluated: 2018-10-01. Review status: criteria provided, single submitter. Criteria: LabCorp Variant Classification Summary - May 2015. Collection method: clinical testing. Allele origin: germline.
Comment: Variant summary: TSC2 c.5068+9G>A alters a non-conserved nucleotide located close to a canonical splice site and therefore could affect mRNA splicing, leading to a significantly altered protein sequence. 4/4 computational tools predict no significant impact on normal splicing. However, these predictions have yet to be confirmed by functional studies. The variant allele was found at a frequency of 0.00016 in 276130 control chromosomes (gnomAD). The observed variant frequency is approximately 2.26 fold of the estimated maximal expected allele frequency for a pathogenic variant in TSC2 causing Tuberous Sclerosis Complex phenotype (6.9e-05), strongly suggesting that the variant is benign. To our knowledge, no occurrence of c.5068+9G>A in individuals affected with Tuberous Sclerosis Complex and no experimental evidence demonstrating its impact on protein function have been reported. Three clinical diagnostic laboratories have submitted clinical-significance assessments for this variant to ClinVar after 2014 without evidence for independent evaluation. Based on the evidence outlined above, the variant was classified as benign.

GeneDx
Classification: Likely benign. Last evaluated: 2018-04-19. Review status: criteria provided, single submitter. Criteria: GeneDx Variant Classification Process June 2021. Collection method: clinical testing. Allele origin: germline. Affected: yes.

Eurofins Ntd Llc (ga)
Classification: Uncertain significance. Last evaluated: 2015-04-16. Review status: criteria provided, single submitter. Criteria: EGL Classification Definitions 2015. Collection method: clinical testing. Allele origin: germline. Observed: 1 variant allele, 1 heterozygote.

Clinical Genetics DNA and cytogenetics Diagnostics Lab, Erasmus MC, Erasmus Medical Center
Classification: Benign. Review status: no assertion criteria provided. Collection method: clinical testing. Allele origin: germline. Affected: yes. Study: VKGL Data-share Consensus. Not counted in ClinVar's aggregate classification.

Clinical Genetics, Academic Medical Center
Classification: Likely benign. Review status: no assertion criteria provided. Collection method: clinical testing. Allele origin: germline. Affected: yes. Study: VKGL Data-share Consensus. Not counted in ClinVar's aggregate classification.

Dr. Peter K. Rogan Lab, Western University
No classification provided (evidence only). Condition: Uterine corpus endometrial carcinoma. Review status: no classification provided. Collection method: in vitro. Allele origin: not applicable. Functional consequence: retained intron. Not counted in ClinVar's aggregate classification.

Dr. Peter K. Rogan Lab, Western University
No classification provided (evidence only). Condition: Cholangiocarcinoma. Review status: no classification provided. Collection method: in vitro. Allele origin: not applicable. Functional consequence: retained intron. Not counted in ClinVar's aggregate classification.

Tuberous sclerosis database (TSC2)
No classification provided. Condition: TSC. Review status: no classification provided. Criteria: Tuberous Sclerosis Database Assertion Criteria 2015. Collection method: curation. Allele origin: germline. Affected: yes. Not counted in ClinVar's aggregate classification.